The following is an entry in ClinVar:

ClinVar aggregate classification (germline): Benign. Review status: criteria provided, multiple submitters, no conflicts (2 of 4 stars). 2 submissions from 2 submitters: Benign (2). Last evaluated 2020-04-27.

Allele frequency attached by ClinVar (database versions not stated): gnomAD exomes 0.66401 and 0.69383; ExAC 0.69101; 1000 Genomes Project 0.69489; gnomAD 0.70302 and 0.70504; 1000 Genomes Project 30x 0.70347; TOPMed 0.71423.

Submissions (2):

GeneDx
Classification: Benign. Last evaluated: 2020-04-27. Review status: criteria provided, single submitter. Criteria: GeneDx Variant Classification Process June 2021. Collection method: clinical testing. Allele origin: germline. Affected: yes.
Comment: This variant is associated with the following publications: (PMID: 23691088)

Breakthrough Genomics
Classification: Benign. Review status: criteria provided, single submitter. Criteria: ACMG Guidelines, 2015. Collection method: not provided. Allele origin: germline. Inheritance: Unknown mechanism. Affected: yes.

NM_000750.5(CHRNB4):c.*76T>C

Gene: CHRNB4 (cholinergic receptor nicotinic beta 4 subunit; minus strand). Cytogenetic location: 15q25.1.
Variant type: single nucleotide variant.
Coding change: c.*76T>C on transcript NM_000750.5 (MANE Select); 76 bases downstream of the stop codon, T replaced by C.
Molecular consequence: 3 prime UTR variant. On other transcripts: synonymous variant (1).
Genome position (GRCh38, 1-based): chr15:78,625,057, A>G on the plus strand (T>C on the coding strand, the complement: CHRNB4 is on the minus strand). VCF-style: chr15-78625057-A-G. GRCh37 (hg19) VCF-style: chr15-78917399-A-G.
Other names: c.594T>C, p.Ala198= (NM_001256567.3).
Identifiers: ClinVar variation 1289303 (VCV001289303.3), dbSNP rs1948, ClinGen allele CA7684689.